The following is an entry in ClinVar:

NM_000836.4(GRIN2D):c.3523C>G (p.Pro1175Ala)

Gene: GRIN2D (glutamate ionotropic receptor NMDA type subunit 2D; plus strand). Cytogenetic location: 19q13.33.
Variant type: single nucleotide variant.
Coding change: c.3523C>G on transcript NM_000836.4 (MANE Select); coding-DNA position 3523, C replaced by G.
Protein change: p.Pro1175Ala; replaces proline 1175 with alanine.
Molecular consequence: missense variant.
Genome position (GRCh38, 1-based): chr19:48,443,449, C>G. VCF-style: chr19-48443449-C-G. GRCh37 (hg19) VCF-style: chr19-48946706-C-G.
Other names: c.3523C>G (NM_000836.2); short protein forms P1175A.
Identifiers: ClinVar variation 1432196 (VCV001432196.13), dbSNP rs1971333907, ClinGen allele CA406676660.
Genomic context (GRCh38, chr19:48,443,449, plus strand): 5'-GTCGACAAGCTCGGGGGCTGGCGCGCCGGGAGCTGGGACTACCTGCCCCCGCGCAGCGGT[C>G]CGGCCGCCTGGCACTGTCGGCACTGCGCCAGCCTGGAGCTGCTGCCGCCGCCGCGCCATC-3'
Protein context (NP_000827.2, residues 1165-1185): SWDYLPPRSG[Pro1175Ala]AAWHCRHCAS

ClinVar aggregate classification (germline): Uncertain significance. Review status: criteria provided, multiple submitters, no conflicts (2 of 4 stars). 2 submissions from 2 submitters: Uncertain significance (2). Last evaluated 2022-06-03.

Conditions:
Developmental and epileptic encephalopathy, 46 (DEE46). Also called: Epileptic encephalopathy, early infantile, 46; GRIN2D-Related Developmental and Epileptic Encephalopathy. Identifiers: MedGen C4310687, MONDO:0014947, OMIM 617162.

Allele frequency attached by ClinVar (database versions not stated): gnomAD 0.00001.

Submissions (2):

Revvity Omics, Revvity
Classification: Uncertain significance for Developmental and epileptic encephalopathy, 46. Last evaluated: 2022-06-03. Review status: criteria provided, single submitter. Criteria: ACMG Guidelines, 2015. Collection method: clinical testing. Allele origin: germline.

Labcorp Genetics (formerly Invitae), Labcorp
Classification: Uncertain significance. Last evaluated: 2022-03-19. Review status: criteria provided, single submitter. Criteria: Invitae Variant Classification Sherloc (09022015). Collection method: clinical testing. Allele origin: germline.
Comment: In summary, the available evidence is currently insufficient to determine the role of this variant in disease. Therefore, it has been classified as a Variant of Uncertain Significance. Advanced modeling of protein sequence and biophysical properties (such as structural, functional, and spatial information, amino acid conservation, physicochemical variation, residue mobility, and thermodynamic stability) performed at Invitae indicates that this missense variant is not expected to disrupt GRIN2D protein function. This variant has not been reported in the literature in individuals affected with GRIN2D-related conditions. This variant is not present in population databases (gnomAD no frequency). This sequence change replaces proline, which is neutral and non-polar, with alanine, which is neutral and non-polar, at codon 1175 of the GRIN2D protein (p.Pro1175Ala).